The following is an entry in ClinVar:

ClinVar aggregate classification (germline): Uncertain significance. Review status: criteria provided, multiple submitters, no conflicts (2 of 4 stars). 2 submissions from 2 submitters: Uncertain significance (2). Last evaluated 2025-09-22.

Conditions:
Meckel-Gruber syndrome. Also called: DYSENCEPHALIA SPLANCHNOCYSTICA; GRUBER SYNDROME; Dysencephalia splachnocystica. Identifiers: Orphanet 564, MedGen C0265215, MONDO:0018921.
Joubert syndrome. Also called: CEREBELLOPARENCHYMAL DISORDER IV; JOUBERT-BOLTSHAUSER SYNDROME; Familial aplasia of the vermis. Identifiers: Orphanet 475, MedGen C5979921, MONDO:0018772.
Inborn genetic diseases. Identifiers: MedGen C0950123, MeSH D030342.

Allele frequency attached by ClinVar (database versions not stated): TOPMed 0.00001.

Submissions (2):

Ambry Genetics
Classification: Uncertain significance for Inborn genetic diseases. Last evaluated: 2025-09-22. Review status: criteria provided, single submitter. Criteria: Ambry Variant Classification Scheme 2023. Collection method: clinical testing. Allele origin: germline.

Labcorp Genetics (formerly Invitae), Labcorp
Classification: Uncertain significance for Joubert syndrome; Meckel-Gruber syndrome. Last evaluated: 2022-08-31. Review status: criteria provided, single submitter. Criteria: Invitae Variant Classification Sherloc (09022015). Collection method: clinical testing. Allele origin: germline.
Comment: This sequence change replaces asparagine, which is neutral and polar, with serine, which is neutral and polar, at codon 103 of the TMEM67 protein (p.Asn103Ser). This variant is not present in population databases (gnomAD no frequency). This variant has not been reported in the literature in individuals affected with TMEM67-related conditions. ClinVar contains an entry for this variant (Variation ID: 1511443). Advanced modeling of protein sequence and biophysical properties (such as structural, functional, and spatial information, amino acid conservation, physicochemical variation, residue mobility, and thermodynamic stability) performed at Invitae indicates that this missense variant is not expected to disrupt TMEM67 protein function. In summary, the available evidence is currently insufficient to determine the role of this variant in disease. Therefore, it has been classified as a Variant of Uncertain Significance.

NM_153704.6(TMEM67):c.308A>G (p.Asn103Ser)

Gene: TMEM67 (transmembrane protein 67; plus strand). Cytogenetic location: 8q22.1.
Variant type: single nucleotide variant.
Coding change: c.308A>G on transcript NM_153704.6 (MANE Select); coding-DNA position 308, A replaced by G.
Protein change: p.Asn103Ser; replaces asparagine 103 with serine.
Molecular consequence: missense variant. On other transcripts: non-coding transcript variant (1), intron variant (1).
Genome position (GRCh38, 1-based): chr8:93,755,862, A>G. VCF-style: chr8-93755862-A-G. GRCh37 (hg19) VCF-style: chr8-94768090-A-G.
Other names: c.-62+725A>G (NM_001142301.1); c.308A>G (NM_153704.5); short protein forms N103S.
Identifiers: ClinVar variation 1511443 (VCV001511443.6), dbSNP rs1289474043, ClinGen allele CA371685705.